The following is an entry in ClinVar:

NM_000465.4(BARD1):c.1315-5T>C

Gene: BARD1 (BRCA1 associated RING domain 1; minus strand). Cytogenetic location: 2q35.
Variant type: single nucleotide variant.
Coding change: c.1315-5T>C on transcript NM_000465.4 (MANE Select); 5 bases into the intron before coding-DNA position 1315, T replaced by C.
Molecular consequence: intron variant.
Genome position (GRCh38, 1-based): chr2:214,769,317, A>G on the plus strand (T>C on the coding strand, the complement: BARD1 is on the minus strand). VCF-style: chr2-214769317-A-G. GRCh37 (hg19) VCF-style: chr2-215634041-A-G.
Other names: c.159-16762T>C (NM_001282548.2); c.1258-5T>C (NM_001282543.2); c.216-16762T>C (NM_001282545.2); c.364+22980T>C (NM_001282549.2).
Identifiers: ClinVar variation 1112020 (VCV001112020.12), dbSNP rs2106081613, ClinGen allele CA2499215624.

ClinVar aggregate classification (germline): Likely benign. Review status: criteria provided, multiple submitters, no conflicts (2 of 4 stars). 2 submissions from 2 submitters: Likely benign (2). Last evaluated 2025-11-17.

Conditions:
Familial cancer of breast. Also called: BREAST CANCER, FAMILIAL; Hereditary breast cancer; hereditary breast carcinoma. Identifiers: Orphanet 227535, MedGen C0346153, MONDO:0016419, OMIM 114480. Disease mechanism: loss of function.

Submissions (2):

Labcorp Genetics (formerly Invitae), Labcorp
Classification: Likely benign for Familial cancer of breast. Last evaluated: 2025-11-17. Review status: criteria provided, single submitter. Criteria: Invitae Variant Classification Sherloc (09022015). Collection method: clinical testing. Allele origin: germline.

Myriad Genetics, Inc.
Classification: Likely benign for Familial cancer of breast. Last evaluated: 2024-07-24. Review status: criteria provided, single submitter. Criteria: Myriad Autosomal Dominant, Autosomal Recessive and X-Linked Classification Criteria (2023). Collection method: clinical testing. Allele origin: unknown.
Comment: This variant is considered likely benign. This variant is intronic and is not expected to impact mRNA splicing.